The following is an entry in ClinVar:

ClinVar aggregate classification (germline): Uncertain significance (1 of 4 stars; one submission).

Conditions:
Glycogen storage disease, type VII (GSD7). Also called: GSD VII; MUSCLE PHOSPHOFRUCTOKINASE DEFICIENCY; PFKM DEFICIENCY; TARUI DISEASE. Identifiers: Orphanet 371, MedGen C0017926, MONDO:0009295, OMIM 232800.

Allele frequency attached by ClinVar (database versions not stated): gnomAD exomes 0.00001; ExAC 0.00002; gnomAD 0.00003; TOPMed 0.00003; ESP Exome Variant Server 0.00008; 1000 Genomes Project 30x 0.00016; 1000 Genomes Project 0.00020.
gnomAD v4.1: 14 of 1,613,932 alleles (0.00087%); highest among the groups gnomAD compares: African/African-American, 0.008%; no homozygotes.

Submission:

Labcorp Genetics (formerly Invitae), Labcorp
Classification: Uncertain significance for Glycogen storage disease, type VII. Last evaluated: 2022-07-12. Review status: criteria provided, single submitter. Criteria: Invitae Variant Classification Sherloc (09022015). Collection method: clinical testing. Allele origin: germline.
Comment: This sequence change replaces asparagine, which is neutral and polar, with serine, which is neutral and polar, at codon 167 of the PFKM protein (p.Asn167Ser). This variant is present in population databases (rs143485300, gnomAD 0.02%). This variant has not been reported in the literature in individuals affected with PFKM-related conditions. ClinVar contains an entry for this variant (Variation ID: 1418811). Algorithms developed to predict the effect of missense changes on protein structure and function are either unavailable or do not agree on the potential impact of this missense change (SIFT: "Deleterious"; PolyPhen-2: "Probably Damaging"; Align-GVGD: "Class C0"). Algorithms developed to predict the effect of sequence changes on RNA splicing suggest that this variant may create or strengthen a splice site. In summary, the available evidence is currently insufficient to determine the role of this variant in disease. Therefore, it has been classified as a Variant of Uncertain Significance.

NM_000289.6(PFKM):c.500A>G (p.Asn167Ser)

Gene: PFKM (phosphofructokinase, muscle; plus strand). Cytogenetic location: 12q13.11.
Variant type: single nucleotide variant.
Coding change: c.500A>G on transcript NM_000289.6 (MANE Select); coding-DNA position 500, A replaced by G.
Protein change: p.Asn167Ser; replaces asparagine 167 with serine.
Molecular consequence: missense variant. On other transcripts: non-coding transcript variant (6).
Genome position (GRCh38, 1-based): chr12:48,133,387, A>G. VCF-style: chr12-48133387-A-G. GRCh37 (hg19) VCF-style: chr12-48527170-A-G.
Other names: c.713A>G, p.Asn238Ser (NM_001166686.2, NM_001354737.1, NM_001354738.1 and 1 more transcripts); c.500A>G, p.Asn167Ser (NM_001166687.2, NM_001166688.2, NM_001354742.2 and 4 more transcripts); c.809A>G, p.Asn270Ser (NM_001354735.1, NM_001354736.1); c.644A>G, p.Asn215Ser (NM_001354740.1); c.524A>G, p.Asn175Ser (NM_001354741.2); c.413A>G, p.Asn138Ser (NM_001354745.2); c.350A>G, p.Asn117Ser (NM_001354747.2, NM_001354748.2); c.500A>G (NM_000289.5); short protein forms N117S, N215S, N138S, N167S, N175S, N270S, N238S.
Identifiers: ClinVar variation 1418811 (VCV001418811.4), dbSNP rs143485300, ClinGen allele CA6537014.
Genomic context (GRCh38, chr12:48,133,387, plus strand): 5'-ATGAGGAGGCTACGAAGTCCAGCTACCTGAACATTGTGGGCCTGGTTGGGTCAATTGACA[A>G]TGACTTCTGTGGCACCGATATGACCATTGGCACTGACTCTGCCCTGCATCGGATCATGGA-3'
Protein context (NP_000280.1, residues 157-177): NIVGLVGSID[Asn167Ser]DFCGTDMTIG